The following is an entry in ClinVar:

ClinVar aggregate classification (germline): Benign/Likely benign. Review status: criteria provided, multiple submitters, no conflicts (2 of 4 stars). 4 submissions from 4 submitters: Benign (1); Likely benign (2). 1 of the submissions does not count toward it. Last evaluated 2025-04-11.

Conditions:
Primary ciliary dyskinesia. Also called: Ciliary dyskinesia. Identifiers: Orphanet 244, MedGen C0008780, MONDO:0016575, HP:0012265.
DNAH11-related disorder. Also called: DNAH11-related condition.

Allele frequency attached by ClinVar (database versions not stated): gnomAD 0.00001; ExAC 0.00002; TOPMed 0.00002; ESP Exome Variant Server 0.00008.
gnomAD v4.1: 34 of 1,614,008 alleles (0.0021%); highest among the groups gnomAD compares: East Asian, 0.0089%; 1 homozygote.

Submissions (4):

Ambry Genetics
Classification: Likely benign for Primary ciliary dyskinesia. Last evaluated: 2025-04-11. Review status: criteria provided, single submitter. Criteria: Ambry Variant Classification Scheme 2023. Collection method: clinical testing. Allele origin: germline.

Labcorp Genetics (formerly Invitae), Labcorp
Classification: Benign for Primary ciliary dyskinesia. Last evaluated: 2024-09-01. Review status: criteria provided, single submitter. Criteria: Invitae Variant Classification Sherloc (09022015). Collection method: clinical testing. Allele origin: germline.

Blueprint Genetics
Classification: Likely benign. Last evaluated: 2024-05-29. Review status: criteria provided, single submitter. Criteria: ACMG Guidelines, 2015. Collection method: clinical testing. Allele origin: germline.

PreventionGenetics, part of Exact Sciences
Classification: Likely benign for DNAH11-related condition. Last evaluated: 2021-09-09. Review status: no assertion criteria provided. Collection method: clinical testing. Allele origin: germline. Not counted in ClinVar's aggregate classification.
Comment: This variant is classified as likely benign based on ACMG/AMP sequence variant interpretation guidelines (Richards et al. 2015 PMID: 25741868, with internal and published modifications).

NM_001277115.2(DNAH11):c.12264C>T (p.His4088=)

Gene: DNAH11 (dynein axonemal heavy chain 11; plus strand). Cytogenetic location: 7p15.3.
Variant type: single nucleotide variant.
Coding change: c.12264C>T on transcript NM_001277115.2 (MANE Select); coding-DNA position 12264, C replaced by T.
Protein change: p.His4088=; no amino-acid change (histidine 4088 retained).
Molecular consequence: synonymous variant.
Genome position (GRCh38, 1-based): chr7:21,880,770, C>T. VCF-style: chr7-21880770-C-T. GRCh37 (hg19) VCF-style: chr7-21920388-C-T.
Other names: c.12264C>T (NM_001277115.1); c.12285C>T, p.His4095= (NM_003777.3).
Identifiers: ClinVar variation 2901324 (VCV002901324.7), dbSNP rs368428210, ClinGen allele CA4183021.
Genomic context (GRCh38, chr7:21,880,770, plus strand): 5'-TGAAATATGCTCCAAGGAGCAGGAGTTTAAAAGCATCCTTTTTTCTCTCTGCTACTTCCA[C>T]GCCTGTGTTGCTGGGAGACTGAGGTTTGGCCCCCAGGGCTGGAGCCGAAGCTATCCTTTT-3'
Protein context (NP_001264044.1, residues 4078-4098): KSILFSLCYF[His4088=]ACVAGRLRFG